The following is an entry in ClinVar:

NM_002113.3(CFHR1):c.641T>A (p.Ile214Asn)

Gene: CFHR1 (complement factor H related 1; plus strand). Cytogenetic location: 1q31.3.
Variant type: single nucleotide variant.
Coding change: c.641T>A on transcript NM_002113.3 (MANE Select); coding-DNA position 641, T replaced by A.
Protein change: p.Ile214Asn; replaces isoleucine 214 with asparagine.
Molecular consequence: missense variant.
Genome position (GRCh38, 1-based): chr1:196,830,533, T>A. VCF-style: chr1-196830533-T-A. GRCh37 (hg19) VCF-style: chr1-196799663-T-A.
Other names: p.Ile214Asn; c.590T>A, p.Ile197Asn (NM_001379306.1); c.479T>A, p.Ile160Asn (NM_001379307.1); c.476T>A, p.Ile159Asn (NM_001379308.1); c.473T>A, p.Ile158Asn (NM_001379309.1); c.446T>A, p.Ile149Asn (NM_001379310.1); c.437T>A, p.Ile146Asn (NM_001379311.1); c.398T>A, p.Ile133Asn (NM_001379312.1); short protein forms I133N, I146N, I149N, I158N, I159N, I160N, I197N, I214N.
Identifiers: ClinVar variation 3380360 (VCV003380360.2).

ClinVar aggregate classification (germline): Uncertain significance. Review status: criteria provided, multiple submitters, no conflicts (2 of 4 stars). 2 submissions from 2 submitters: Uncertain significance (2). Last evaluated 2024-05-29.

Conditions:
Hemolytic uremic syndrome, atypical, susceptibility to, 1. Also called: AHUS, SUSCEPTIBILITY TO, 1. Identifiers: Orphanet 2134, Orphanet 90038, MedGen C2749604, MONDO:0009335, OMIM 235400. Disease mechanism: Other.
Age related macular degeneration 1 (ARMD1). Also called: MACULOPATHY, AGE-RELATED, 1. Identifiers: MedGen C1864205, MONDO:0011285, OMIM 603075.

gnomAD v4.1: 26 of 1,525,352 alleles (0.0017%); highest among the groups gnomAD compares: East Asian, 0.054%; 1 homozygote.

Submissions (2):

Mayo Clinic Laboratories, Mayo Clinic
Classification: Uncertain significance. Last evaluated: 2024-05-29. Review status: criteria provided, single submitter. Criteria: ACMG Guidelines, 2015. Collection method: clinical testing. Allele origin: germline. Observed: 1 variant allele.
Comment: PM2

Fulgent Genetics
Classification: Uncertain significance for Hemolytic uremic syndrome, atypical, susceptibility to, 1; Age related macular degeneration 1. Last evaluated: 2024-05-09. Review status: criteria provided, single submitter. Criteria: ACMG Guidelines, 2015. Collection method: clinical testing. Allele origin: germline.

Literature cited by the submitters: PubMed 31328266 (cited by Mayo Clinic Laboratories, Mayo Clinic); PubMed 33213850 (cited by Mayo Clinic Laboratories, Mayo Clinic).